The following is an entry in ClinVar:

NM_001385641.1(SAMD11):c.2290G>A (p.Val764Met)

Gene: SAMD11 (sterile alpha motif domain containing 11; plus strand). Cytogenetic location: 1p36.33.
Variant type: single nucleotide variant.
Coding change: c.2290G>A on transcript NM_001385641.1 (MANE Select); coding-DNA position 2290, G replaced by A.
Protein change: p.Val764Met; replaces valine 764 with methionine.
Molecular consequence: missense variant.
Genome position (GRCh38, 1-based): chr1:943,908, G>A. VCF-style: chr1-943908-G-A. GRCh37 (hg19) VCF-style: chr1-879288-G-A.
Other names: c.2293G>A, p.Val765Met (NM_001385640.1); c.1801G>A, p.Val601Met (NM_152486.4); short protein forms V765M, V764M, V601M.
Identifiers: ClinVar variation 1973219 (VCV001973219.2), dbSNP rs775454462, ClinGen allele CA503323.

ClinVar aggregate classification (germline): Uncertain significance (1 of 4 stars; one submission).

Allele frequency attached by ClinVar (database versions not stated): ExAC 0.00001; gnomAD 0.00001; gnomAD exomes 0.00001; TOPMed 0.00001.
gnomAD v4.1: 12 of 1,612,700 alleles (0.00074%); highest among the groups gnomAD compares: South Asian, 0.0011%; no homozygotes.

Submission:

Labcorp Genetics (formerly Invitae), Labcorp
Classification: Uncertain significance. Last evaluated: 2022-02-18. Review status: criteria provided, single submitter. Criteria: Invitae Variant Classification Sherloc (09022015). Collection method: clinical testing. Allele origin: germline.
Comment: This sequence change replaces valine, which is neutral and non-polar, with methionine, which is neutral and non-polar, at codon 601 of the SAMD11 protein (p.Val601Met). This variant is present in population databases (rs775454462, gnomAD 0.003%). This variant has not been reported in the literature in individuals affected with SAMD11-related conditions. Algorithms developed to predict the effect of missense changes on protein structure and function are either unavailable or do not agree on the potential impact of this missense change (SIFT: "Deleterious"; PolyPhen-2: "Probably Damaging"; Align-GVGD: "Class C0"). In summary, the available evidence is currently insufficient to determine the role of this variant in disease. Therefore, it has been classified as a Variant of Uncertain Significance.